The following is an entry in ClinVar:

ClinVar aggregate classification (germline): Uncertain significance. Review status: criteria provided, multiple submitters, no conflicts (2 of 4 stars). 2 submissions from 2 submitters: Uncertain significance (2). Last evaluated 2026-09-11.

Conditions:
Familial hypobetalipoproteinemia 1. Also called: APOB-Related Familial Hypobetalipoproteinemia; Hypobetalipoproteinemia, normotriglyceridemic; Acanthocytosis with hypobetalipoproteinemia. Identifiers: MedGen C4551990, MONDO:0014252, OMIM 615558.
Hypercholesterolemia, autosomal dominant, type B (FHCL2). Also called: Familial Hypercholesterolemia Type B; APOLIPOPROTEIN B-100, FAMILIAL DEFECTIVE; APOLIPOPROTEIN B-100, FAMILIAL LIGAND-DEFECTIVE; HYPERCHOLESTEROLEMIA, FAMILIAL, DUE TO LIGAND-DEFECTIVE APOLIPOPROTEIN B; Hyperlipoproteinemia Type IIb; Familial hypercholesterolemia 2. Identifiers: MedGen C1704417, MONDO:0007751, OMIM 144010.
Cardiovascular phenotype. Identifiers: MedGen CN230736.

Allele frequency attached by ClinVar (database versions not stated): gnomAD exomes below 0.00001; gnomAD 0.00001.
gnomAD v4.1: 2 of 1,613,808 alleles (0.00012%); highest among the groups gnomAD compares: Non-Finnish European, 0.00017%; no homozygotes.

Submissions (2):

Ambry Genetics
Classification: Uncertain significance for Cardiovascular phenotype. Last evaluated: 2026-09-11. Review status: criteria provided, single submitter. Criteria: Ambry Variant Classification Scheme 2023. Collection method: clinical testing. Allele origin: germline.
Comment: The p.A3587T variant (also known as c.10759G>A), located in coding exon 26 of the APOB gene, results from a G to A substitution at nucleotide position 10759. The alanine at codon 3587 is replaced by threonine, an amino acid with similar properties. This amino acid position is conserved. In addition, this alteration is predicted to be tolerated by in silico analysis. Based on the available evidence, the clinical significance of this variant remains unclear.

Labcorp Genetics (formerly Invitae), Labcorp
Classification: Uncertain significance for Familial hypobetalipoproteinemia 1; Hypercholesterolemia, autosomal dominant, type B. Last evaluated: 2025-12-25. Review status: criteria provided, single submitter. Criteria: Invitae Variant Classification Sherloc (09022015). Collection method: clinical testing. Allele origin: germline.
Comment: This sequence change replaces alanine, which is neutral and non-polar, with threonine, which is neutral and polar, at codon 3587 of the APOB protein (p.Ala3587Thr). This variant is not present in population databases (gnomAD no frequency). This variant has not been reported in the literature in individuals affected with APOB-related conditions. ClinVar contains an entry for this variant (Variation ID: 2323332). Invitae Evidence Modeling of protein sequence and biophysical properties (such as structural, functional, and spatial information, amino acid conservation, physicochemical variation, residue mobility, and thermodynamic stability) indicates that this missense variant is not expected to disrupt APOB protein function with a negative predictive value of 95%. In summary, the available evidence is currently insufficient to determine the role of this variant in disease. Therefore, it has been classified as a Variant of Uncertain Significance.

NM_000384.3(APOB):c.10759G>A (p.Ala3587Thr)

Gene: APOB (apolipoprotein B; minus strand). Cytogenetic location: 2p24.1.
Variant type: single nucleotide variant.
Coding change: c.10759G>A on transcript NM_000384.3 (MANE Select); coding-DNA position 10759, G replaced by A.
Protein change: p.Ala3587Thr; replaces alanine 3587 with threonine.
Molecular consequence: missense variant.
Genome position (GRCh38, 1-based): chr2:21,006,109, C>T on the plus strand (G>A on the coding strand, the complement: APOB is on the minus strand). VCF-style: chr2-21006109-C-T. GRCh37 (hg19) VCF-style: chr2-21228981-C-T.
Other names: short protein forms A3587T.
Identifiers: ClinVar variation 2323332 (VCV002323332.4), dbSNP rs1663129787, ClinGen allele CA345985039.